The following is an entry in ClinVar:

NM_001374623.1(PNPLA1):c.745G>A (p.Glu249Lys)

Gene: PNPLA1 (patatin like domain 1, omega-hydroxyceramide transacylase; plus strand). Cytogenetic location: 6p21.31.
Variant type: single nucleotide variant.
Coding change: c.745G>A on transcript NM_001374623.1 (MANE Select); coding-DNA position 745, G replaced by A.
Protein change: p.Glu249Lys; replaces glutamic acid 249 with lysine.
Molecular consequence: missense variant.
Genome position (GRCh38, 1-based): chr6:36,295,394, G>A. VCF-style: chr6-36295394-G-A. GRCh37 (hg19) VCF-style: chr6-36263171-G-A.
Other names: c.745G>A, p.Glu249Lys (NM_001145717.1); c.487G>A, p.Glu163Lys (NM_001145716.2); c.460G>A, p.Glu154Lys (NM_173676.2); short protein forms E249K, E154K, E163K.
Identifiers: ClinVar variation 356564 (VCV000356564.22), dbSNP rs45524833, ClinGen allele CA3777840.

ClinVar aggregate classification (germline): Likely benign. Review status: criteria provided, multiple submitters, no conflicts (2 of 4 stars). 7 submissions from 7 submitters: Likely benign (4). 3 of the submissions do not count toward it. Last evaluated 2026-01-28.

Conditions:
Autosomal recessive congenital ichthyosis 10 (ARCI10). Identifiers: Orphanet 79394, MedGen C3554355, MONDO:0014011, OMIM 615024.
PNPLA1-related disorder. Also called: PNPLA1-related condition.

Allele frequency attached by ClinVar (database versions not stated): ExAC 0.00260; ESP Exome Variant Server 0.00292; gnomAD exomes 0.00299 and 0.00304; gnomAD 0.00300 and 0.00304; TOPMed 0.00348; 1000 Genomes Project 0.00399; 1000 Genomes Project 30x 0.00437.
gnomAD v4.1: 4,857 of 1,614,204 alleles (0.3%); highest among the groups gnomAD compares: Admixed American, 0.7%; 18 homozygotes.

Submissions (7):

Labcorp Genetics (formerly Invitae), Labcorp
Classification: Likely benign. Last evaluated: 2026-01-28. Review status: criteria provided, single submitter. Criteria: Invitae Variant Classification Sherloc (09022015). Collection method: clinical testing. Allele origin: germline.

Fulgent Genetics
Classification: Likely benign for Autosomal recessive congenital ichthyosis 10. Last evaluated: 2022-03-21. Review status: criteria provided, single submitter. Criteria: ACMG Guidelines, 2015. Collection method: clinical testing. Allele origin: unknown.

Illumina Laboratory Services, Illumina
Classification: Likely benign for Autosomal recessive congenital ichthyosis 10. Last evaluated: 2018-01-13. Review status: criteria provided, single submitter. Criteria: ICSL Variant Classification Criteria 13 December 2019. Collection method: clinical testing. Allele origin: germline.
Comment: This variant was observed in the ICSL laboratory as part of a predisposition screen in an ostensibly healthy population. It had not been previously curated by ICSL or reported in the Human Gene Mutation Database (HGMD: prior to June 1st, 2018), and was therefore a candidate for classification through an automated scoring system. Utilizing variant allele frequency, disease prevalence and penetrance estimates, and inheritance mode, an automated score was calculated to assess if this variant is too frequent to cause the disease. Based on the score and internal cut-off values, a variant classified as likely benign is not then subjected to further curation. The score for this variant resulted in a classification of likely benign for this disease.

Breakthrough Genomics
Classification: Likely benign. Review status: criteria provided, single submitter. Criteria: ACMG Guidelines, 2015. Collection method: not provided. Allele origin: germline. Inheritance: Autosomal recessive inheritance. Affected: yes.

PreventionGenetics, part of Exact Sciences
Classification: Likely benign for PNPLA1-related condition. Last evaluated: 2024-02-19. Review status: no assertion criteria provided. Collection method: clinical testing. Allele origin: germline. Not counted in ClinVar's aggregate classification.
Comment: This variant is classified as likely benign based on ACMG/AMP sequence variant interpretation guidelines (Richards et al. 2015 PMID: 25741868, with internal and published modifications).

Diagnostic Laboratory, Department of Genetics, University Medical Center Groningen
Classification: Likely benign. Review status: no assertion criteria provided. Collection method: clinical testing. Allele origin: germline. Affected: yes. Study: VKGL Data-share Consensus. Not counted in ClinVar's aggregate classification.

Genome Diagnostics Laboratory, University Medical Center Utrecht
Classification: Likely benign. Review status: no assertion criteria provided. Collection method: clinical testing. Allele origin: germline. Affected: yes. Study: VKGL Data-share Consensus. Not counted in ClinVar's aggregate classification.